The following is an entry in ClinVar:

NM_001042492.3(NF1):c.7737G>A (p.Met2579Ile)

Gene: NF1 (neurofibromin 1; plus strand). Cytogenetic location: 17q11.2.
Variant type: single nucleotide variant.
Coding change: c.7737G>A on transcript NM_001042492.3 (MANE Select); coding-DNA position 7737, G replaced by A.
Protein change: p.Met2579Ile; replaces methionine 2579 with isoleucine.
Molecular consequence: missense variant.
Genome position (GRCh38, 1-based): chr17:31,356,581, G>A. VCF-style: chr17-31356581-G-A. GRCh37 (hg19) VCF-style: chr17-29683599-G-A.
Other names: c.7674G>A, p.Met2558Ile (NM_000267.4); short protein forms M2558I, M2579I.
Identifiers: ClinVar variation 141550 (VCV000141550.4), dbSNP rs587781834, ClinGen allele CA165750.

ClinVar aggregate classification (germline): Conflicting classifications of pathogenicity. Review status: criteria provided, conflicting classifications (1 of 4 stars). 2 submissions from 1 submitter: Uncertain significance (1); Likely benign (1). Last evaluated 2024-12-06.

Conditions:
Hereditary cancer-predisposing syndrome. Also called: Neoplastic Syndromes, Hereditary; Tumor predisposition; Hereditary Cancer Syndrome; Hereditary neoplastic syndrome. Identifiers: Orphanet 140162, MedGen C0027672, MeSH D009386, MONDO:0015356.
Cardiovascular phenotype. Identifiers: MedGen CN230736.

Submissions (2):

Ambry Genetics
Classification: Likely benign for Cardiovascular phenotype; Hereditary cancer-predisposing syndrome. Last evaluated: 2024-12-06. Review status: criteria provided, single submitter. Criteria: Ambry Variant Classification Scheme 2023. Collection method: clinical testing. Allele origin: germline.

Ambry Genetics
Classification: Uncertain significance for Hereditary cancer-predisposing syndrome. Last evaluated: 2014-03-06. Review status: criteria provided, single submitter. Criteria: Ambry Autosomal Dominant and X-Linked criteria (10/2015). Collection method: clinical testing. Allele origin: germline. Observed: 1 variant allele.
Comment: The p.M2579I variant (also known as c.7737G>A), located in coding exon 52 of the NF1 gene, results from a G to A substitution at nucleotide position 7737. The methionine at codon 2579 is replaced by isoleucine, an amino acid with highly similar properties. This variant was not reported in population based cohorts in the following databases: Database of Single Nucleotide Polymorphisms (dbSNP), NHLBI Exome Sequencing Project (ESP), and 1000 Genomes Project. This amino acid position is well conserved in available vertebrate species. In addition, this alteration is predicted to be benign and tolerated by PolyPhen and SIFT in silico analyses, respectively. Since supporting evidence is limited at this time, the clinical significance of p.M2579I remains unclear.